The following is an entry in ClinVar:

NM_000038.6(APC):c.3183A>G (p.Lys1061=)

Gene: APC (APC regulator of Wnt signaling pathway; plus strand). Cytogenetic location: 5q22.2.
Variant type: single nucleotide variant.
Coding change: c.3183A>G on transcript NM_000038.6 (MANE Select); coding-DNA position 3183, A replaced by G.
Protein change: p.Lys1061=; no amino-acid change (lysine 1061 retained).
Molecular consequence: synonymous variant.
Genome position (GRCh38, 1-based): chr5:112,838,777, A>G. VCF-style: chr5-112838777-A-G. GRCh37 (hg19) VCF-style: chr5-112174474-A-G.
Other names: c.3183A>G, p.Lys1061= (NM_001127510.3, NM_001354895.2); c.3129A>G, p.Lys1043= (NM_001127511.3); c.3237A>G, p.Lys1079= (NM_001354896.2); c.3213A>G, p.Lys1071= (NM_001354897.2); c.3108A>G, p.Lys1036= (NM_001354898.2); c.3099A>G, p.Lys1033= (NM_001354899.2); c.3060A>G, p.Lys1020= (NM_001354900.2); c.3006A>G, p.Lys1002= (NM_001354901.2); and 5 more.
Identifiers: ClinVar variation 823112 (VCV000823112.16), dbSNP rs1580632127, ClinGen allele CA445963221.

ClinVar aggregate classification (germline): Benign/Likely benign. Review status: criteria provided, multiple submitters, no conflicts (2 of 4 stars). 5 submissions from 5 submitters: Benign (1); Likely benign (4). Last evaluated 2025-11-15.

Conditions:
Familial adenomatous polyposis 1 (FAP1). Also called: FAMILIAL ADENOMATOUS POLYPOSIS 1, ATTENUATED; POLYPOSIS, ADENOMATOUS INTESTINAL. Identifiers: MedGen C2713442, MONDO:0021056, OMIM 175100. Disease mechanism: loss of function.
Hereditary cancer-predisposing syndrome. Also called: Tumor predisposition; Hereditary Cancer Syndrome; Neoplastic Syndromes, Hereditary; Hereditary neoplastic syndrome. Identifiers: Orphanet 140162, MedGen C0027672, MeSH D009386, MONDO:0015356.

Allele frequency attached by ClinVar (database versions not stated): gnomAD exomes below 0.00001; TOPMed below 0.00001; gnomAD 0.00001.
gnomAD v4.1: 4 of 1,614,036 alleles (0.00025%); highest among the groups gnomAD compares: African/African-American, 0.004%; no homozygotes.

Submissions (5):

Labcorp Genetics (formerly Invitae), Labcorp
Classification: Likely benign for Familial adenomatous polyposis 1. Last evaluated: 2025-11-15. Review status: criteria provided, single submitter. Criteria: Invitae Variant Classification Sherloc (09022015). Collection method: clinical testing. Allele origin: germline.

Myriad Genetics, Inc.
Classification: Benign for Familial adenomatous polyposis 1. Last evaluated: 2024-03-18. Review status: criteria provided, single submitter. Criteria: Myriad Autosomal Dominant, Autosomal Recessive and X-Linked Classification Criteria (2023). Collection method: clinical testing. Allele origin: unknown.
Comment: This variant is considered benign. This variant is a silent/synonymous amino acid change and it is not expected to impact splicing.

Quest Diagnostics Nichols Institute San Juan Capistrano
Classification: Likely benign. Last evaluated: 2023-08-25. Review status: criteria provided, single submitter. Criteria: Quest Diagnostics criteria. Collection method: clinical testing. Allele origin: unknown.

Color Diagnostics, LLC DBA Color Health
Classification: Likely benign for Hereditary cancer-predisposing syndrome. Last evaluated: 2018-11-26. Review status: criteria provided, single submitter. Criteria: ACMG Guidelines, 2015. Collection method: clinical testing. Allele origin: germline.

Ambry Genetics
Classification: Likely benign for Hereditary cancer-predisposing syndrome. Last evaluated: 2017-10-19. Review status: criteria provided, single submitter. Criteria: Ambry Variant Classification Scheme 2023. Collection method: clinical testing. Allele origin: germline.